The following is an entry in ClinVar:

ClinVar aggregate classification (germline): Likely benign (1 of 4 stars; one submission).

Allele frequency attached by ClinVar (database versions not stated): ExAC 0.00035; ESP Exome Variant Server 0.00041; TOPMed 0.00042; 1000 Genomes Project 30x 0.00047; gnomAD exomes 0.00049; gnomAD 0.00052; 1000 Genomes Project 0.00060.
gnomAD v4.1: 764 of 1,599,336 alleles (0.048%); highest among the groups gnomAD compares: Non-Finnish European, 0.06%; no homozygotes.

Submission:

CeGaT Center for Human Genetics Tuebingen
Classification: Likely benign. Last evaluated: 2022-12-01. Review status: criteria provided, single submitter. Criteria: CeGaT Center For Human Genetics Tuebingen Variant Classification Criteria Version 2. Collection method: clinical testing. Allele origin: germline. Affected: yes. Observed: 1 variant allele.
Comment: RUVBL2: BP4, BP7

NM_006666.3(RUVBL2):c.645C>T (p.Tyr215=)

Gene: RUVBL2 (RuvB like AAA ATPase 2; plus strand). Cytogenetic location: 19q13.33.
Variant type: single nucleotide variant.
Coding change: c.645C>T on transcript NM_006666.3 (MANE Select); coding-DNA position 645, C replaced by T.
Protein change: p.Tyr215=; no amino-acid change (tyrosine 215 retained).
Molecular consequence: synonymous variant. On other transcripts: non-coding transcript variant (1).
Genome position (GRCh38, 1-based): chr19:49,010,048, C>T. VCF-style: chr19-49010048-C-T. GRCh37 (hg19) VCF-style: chr19-49513305-C-T.
Other names: c.543C>T, p.Tyr181= (NM_001321190.2); c.510C>T, p.Tyr170= (NM_001321191.1).
Identifiers: ClinVar variation 2650228 (VCV002650228.24), dbSNP rs138614683, ClinGen allele CA9563844.